The following is an entry in ClinVar:

ClinVar aggregate classification (germline): Uncertain significance (1 of 4 stars; one submission).

Conditions:
Hypertrophic cardiomyopathy. Also called: HYPERTROPHIC MYOCARDIOPATHY. Identifiers: Orphanet 217569, MedGen C0007194, MeSH D002312, MONDO:0005045, HP:0001639.

Submission:

Labcorp Genetics (formerly Invitae), Labcorp
Classification: Uncertain significance for Hypertrophic cardiomyopathy. Last evaluated: 2023-08-12. Review status: criteria provided, single submitter. Criteria: Invitae Variant Classification Sherloc (09022015). Collection method: clinical testing. Allele origin: unknown.
Comment: In summary, the available evidence is currently insufficient to determine the role of this variant in disease. Therefore, it has been classified as a Variant of Uncertain Significance. A similar copy number variant has been observed in individual(s) with dilated cardiomyopathy (Invitae). A gross deletion of the genomic region encompassing the full coding sequence of the MYH7 gene has been identified. The current clinical and genetic evidence is not sufficient to establish whether loss-of-function variants in MYH7 cause disease. The boundaries of this event are unknown as they extend beyond the assayed region for this gene and therefore may encompass additional genes.

NC_000014.8:g.(?_23882063)_(23902941_?)del

Genes: MIR208B (microRNA 208b; minus strand), MYH7 (myosin heavy chain 7; minus strand). Cytogenetic location: 14q11.2.
Variant type: Deletion.
Identifiers: ClinVar variation 3243930 (VCV003243930.1).